The following is an entry in ClinVar:

NM_002397.5(MEF2C):c.838C>T (p.Gln280Ter)

Gene: MEF2C (myocyte enhancer factor 2C; minus strand). Cytogenetic location: 5q14.3.
Variant type: single nucleotide variant.
Coding change: c.838C>T on transcript NM_002397.5 (MANE Select); coding-DNA position 838, C replaced by T.
Protein change: p.Gln280Ter; replaces glutamine 280 with a stop codon.
Molecular consequence: nonsense.
Genome position (GRCh38, 1-based): chr5:88,729,344, G>A on the plus strand (C>T on the coding strand, the complement: MEF2C is on the minus strand). VCF-style: chr5-88729344-G-A. GRCh37 (hg19) VCF-style: chr5-88025161-G-A.
Other names: c.808C>T, p.Gln270Ter (NM_001131005.2, NM_001364343.2, NM_001364352.2); c.868C>T, p.Gln290Ter (NM_001193347.1, NM_001364338.2); c.670C>T, p.Gln224Ter (NM_001193348.1); c.694C>T, p.Gln232Ter (NM_001193349.3, NM_001364332.2, NM_001364344.2 and 2 more transcripts); c.838C>T, p.Gln280Ter (NM_001193350.2, NM_001363581.2, NM_001364329.2 and 9 more transcripts); c.814C>T, p.Gln272Ter (NM_001308002.3, NM_001364333.2, NM_001364339.2 and 6 more transcripts); c.388C>T, p.Gln130Ter (NM_001364357.2); c.460C>T, p.Gln154Ter (NM_001364353.2, NM_001364356.2); short protein forms Q130*, Q154*, Q224*, Q232*, Q270*, Q272*, Q280*, Q290*.
Identifiers: ClinVar variation 3906066 (VCV003906066.10).
Genomic context (GRCh38, chr5:88,729,344, plus strand): 5'-TTGCTACGGAAACCACTGGGGTAGCCAATGACTGAGCCGACTGGGAGTTATTTATCCTTT[G>A]ATTCTTTTAAAATAAATAAAAAGACATTACTGATGAATTTTTTTAAAAGTTAAAAATATT-3'

ClinVar aggregate classification (germline): Pathogenic (1 of 4 stars; one submission).

Submission:

CeGaT Center for Human Genetics Tuebingen
Classification: Pathogenic. Last evaluated: 2025-05-01. Review status: criteria provided, single submitter. Criteria: CeGaT Center For Human Genetics Tuebingen Variant Classification Criteria Version 2. Collection method: clinical testing. Allele origin: germline. Affected: yes. Observed: 1 variant allele.
Comment: MEF2C: PVS1, PM2, PS2:Supporting